The following is an entry in ClinVar:

ClinVar aggregate classification (germline): Likely benign. Review status: criteria provided, multiple submitters, no conflicts (2 of 4 stars). 2 submissions from 2 submitters: Likely benign (2). Last evaluated 2025-11-18.

Conditions:
Immunodeficiency 23 (IMD23). Also called: IMMUNODEFICIENCY WITH HYPER IgE AND COGNITIVE IMPAIRMENT; IMMUNODEFICIENCY-VASCULITIS-MYOCLONUS SYNDROME. Identifiers: Orphanet 443811, MedGen C4014371, MONDO:0014353, OMIM 615816.

Allele frequency attached by ClinVar (database versions not stated): TOPMed 0.00002; ExAC 0.00003; gnomAD 0.00003 and 0.00004; gnomAD exomes 0.00005.
gnomAD v4.1: 43 of 1,613,780 alleles (0.0027%); highest among the groups gnomAD compares: South Asian, 0.012%; 1 homozygote.

Submissions (2):

Labcorp Genetics (formerly Invitae), Labcorp
Classification: Likely benign for Immunodeficiency 23. Last evaluated: 2025-11-18. Review status: criteria provided, single submitter. Criteria: Invitae Variant Classification Sherloc (09022015). Collection method: clinical testing. Allele origin: germline.

CeGaT Center for Human Genetics Tuebingen
Classification: Likely benign. Last evaluated: 2025-07-01. Review status: criteria provided, single submitter. Criteria: CeGaT Center For Human Genetics Tuebingen Variant Classification Criteria Version 2. Collection method: clinical testing. Allele origin: germline. Affected: yes. Observed: 1 variant allele.
Comment: PGM3: BP4, BP7

NM_015599.3(PGM3):c.1395C>T (p.Thr465=)

Genes: DOP1A (DOP1 leucine zipper like protein A; plus strand), PGM3 (phosphoglucomutase 3; minus strand). Cytogenetic location: 6q14.1.
Variant type: single nucleotide variant.
Coding change: c.1395C>T on transcript NM_015599.3 (MANE Select); coding-DNA position 1395, C replaced by T.
Protein change: p.Thr465=; no amino-acid change (threonine 465 retained).
Molecular consequence: synonymous variant. On other transcripts: non-coding transcript variant (1).
Genome position (GRCh38, 1-based): chr6:83,170,449, G>A on the plus strand (C>T on the coding strand, the complement: PGM3 is on the minus strand). VCF-style: chr6-83170449-G-A. GRCh37 (hg19) VCF-style: chr6-83880168-G-A.
Other names: c.1479C>T, p.Thr493= (NM_001199917.2, NM_001367287.1); c.1152C>T, p.Thr384= (NM_001199918.2); c.1395C>T, p.Thr465= (NM_001199919.2); c.1272C>T, p.Thr424= (NM_001367286.1).
Identifiers: ClinVar variation 798910 (VCV000798910.18), dbSNP rs540471794, ClinGen allele CA3906524.